The following is an entry in ClinVar:

ClinVar aggregate classification (germline): Uncertain significance. Review status: criteria provided, multiple submitters, no conflicts (2 of 4 stars). 3 submissions from 3 submitters: Uncertain significance (2). 1 of the submissions does not count toward it. Last evaluated 2023-10-26.

Conditions:
Hermansky-Pudlak syndrome (HPS). Also called: ALBINISM WITH HEMORRHAGIC DIATHESIS AND PIGMENTED RETICULOENDOTHELIAL CELLS. Identifiers: Orphanet 79430, MedGen C0079504, MONDO:0019312.
Hermansky-Pudlak syndrome 3 (HPS3). Identifiers: Orphanet 231512, Orphanet 79430, MedGen C3888001, MONDO:0013555, OMIM 614072.

Allele frequency attached by ClinVar (database versions not stated): gnomAD 0.00001; gnomAD exomes 0.00001; ExAC 0.00002.
gnomAD v4.1: 14 of 1,613,480 alleles (0.00087%); highest among the groups gnomAD compares: South Asian, 0.012%; no homozygotes.

Submissions (3):

Labcorp Genetics (formerly Invitae), Labcorp
Classification: Uncertain significance. Last evaluated: 2023-10-26. Review status: criteria provided, single submitter. Criteria: Invitae Variant Classification Sherloc (09022015). Collection method: clinical testing. Allele origin: germline.
Comment: This sequence change replaces tyrosine, which is neutral and polar, with cysteine, which is neutral and slightly polar, at codon 353 of the HPS3 protein (p.Tyr353Cys). This variant is present in population databases (rs771822133, gnomAD 0.006%). This variant has not been reported in the literature in individuals affected with HPS3-related conditions. ClinVar contains an entry for this variant (Variation ID: 899493). Advanced modeling of protein sequence and biophysical properties (such as structural, functional, and spatial information, amino acid conservation, physicochemical variation, residue mobility, and thermodynamic stability) performed at Invitae indicates that this missense variant is expected to disrupt HPS3 protein function with a positive predictive value of 80%. In summary, the available evidence is currently insufficient to determine the role of this variant in disease. Therefore, it has been classified as a Variant of Uncertain Significance.

Illumina Laboratory Services, Illumina
Classification: Uncertain significance for Hermansky-Pudlak syndrome 3. Last evaluated: 2018-01-12. Review status: criteria provided, single submitter. Criteria: ICSL Variant Classification Criteria 13 December 2019. Collection method: clinical testing. Allele origin: germline.

Natera, Inc.
Classification: Uncertain significance for Hermansky-Pudlak syndrome. Last evaluated: 2020-08-16. Review status: no assertion criteria provided. Collection method: clinical testing. Allele origin: germline. Not counted in ClinVar's aggregate classification.

NM_032383.5(HPS3):c.1058A>G (p.Tyr353Cys)

Gene: HPS3 (HPS3 biogenesis of lysosomal organelles complex 2 subunit 1; plus strand). Cytogenetic location: 3q24.
Variant type: single nucleotide variant.
Coding change: c.1058A>G on transcript NM_032383.5 (MANE Select); coding-DNA position 1058, A replaced by G.
Protein change: p.Tyr353Cys; replaces tyrosine 353 with cysteine.
Molecular consequence: missense variant.
Genome position (GRCh38, 1-based): chr3:149,145,441, A>G. VCF-style: chr3-149145441-A-G. GRCh37 (hg19) VCF-style: chr3-148863228-A-G.
Other names: c.563A>G, p.Tyr188Cys (NM_001308258.2); short protein forms Y353C, Y188C.
Identifiers: ClinVar variation 899493 (VCV000899493.8), dbSNP rs771822133, ClinGen allele CA2659990.